The following is an entry in ClinVar:

NM_014915.3(ANKRD26):c.319A>G (p.Asn107Asp)

Gene: ANKRD26 (ankyrin repeat domain 26; minus strand). Cytogenetic location: 10p12.1.
Variant type: single nucleotide variant.
Coding change: c.319A>G on transcript NM_014915.3 (MANE Select); coding-DNA position 319, A replaced by G.
Protein change: p.Asn107Asp; replaces asparagine 107 with aspartic acid.
Molecular consequence: missense variant.
Genome position (GRCh38, 1-based): chr10:27,093,723, T>C on the plus strand (A>G on the coding strand, the complement: ANKRD26 is on the minus strand). VCF-style: chr10-27093723-T-C. GRCh37 (hg19) VCF-style: chr10-27382652-T-C.
Other names: c.319A>G, p.Asn107Asp (NM_001256053.2); short protein forms N107D.
Identifiers: ClinVar variation 878356 (VCV000878356.11), dbSNP rs777897967, ClinGen allele CA5448985.
Genomic context (GRCh38, chr10:27,093,723, plus strand): 5'-GAAAGAGCTGGCTACTATATACCTTCATCAGAGCTGTCCTGTTTTCGTTGTCACAGACAT[T>C]GAGCTGGCATTTTCTGTCCACCAGGAGAGTTACTACTTCTGGATGACCATTGGCACAGGC-3'
Protein context (NP_055730.2, residues 97-117): TLLVDRKCQL[Asn107Asp]VCDNENRTAL

ClinVar aggregate classification (germline): Uncertain significance. Review status: criteria provided, multiple submitters, no conflicts (2 of 4 stars). 4 submissions from 4 submitters: Uncertain significance (4). Last evaluated 2025-10-14.

Conditions:
Inborn genetic diseases. Identifiers: MedGen C0950123, MeSH D030342.
Thrombocytopenia 2 (THC2). Also called: ANKRD26-Related Thrombocytopenia. Identifiers: Orphanet 268322, MedGen C1861185, MONDO:0008555, OMIM 188000.

Allele frequency attached by ClinVar (database versions not stated): TOPMed 0.00002.
gnomAD v4.1: 106 of 1,614,144 alleles (0.0066%); highest among the groups gnomAD compares: Non-Finnish European, 0.0081%; no homozygotes.

Submissions (4):

Labcorp Genetics (formerly Invitae), Labcorp
Classification: Uncertain significance. Last evaluated: 2025-10-14. Review status: criteria provided, single submitter. Criteria: Invitae Variant Classification Sherloc (09022015). Collection method: clinical testing. Allele origin: germline.
Comment: This sequence change replaces asparagine, which is neutral and polar, with aspartic acid, which is acidic and polar, at codon 107 of the ANKRD26 protein (p.Asn107Asp). This variant is present in population databases (rs777897967, gnomAD 0.003%). This variant has not been reported in the literature in individuals affected with ANKRD26-related conditions. ClinVar contains an entry for this variant (Variation ID: 878356). An algorithm developed to predict the effect of missense changes on protein structure and function outputs the following: PolyPhen-2: "Benign". The aspartic acid amino acid residue is found in multiple mammalian species, which suggests that this missense change does not adversely affect protein function. In summary, the available evidence is currently insufficient to determine the role of this variant in disease. Therefore, it has been classified as a Variant of Uncertain Significance.

GeneDx
Classification: Uncertain significance. Last evaluated: 2025-01-10. Review status: criteria provided, single submitter. Criteria: GeneDx Variant Classification Process June 2021. Collection method: clinical testing. Allele origin: germline.
Comment: Not observed at significant frequency in large population cohorts (gnomAD); In silico analysis indicates that this missense variant does not alter protein structure/function; Has not been previously published as pathogenic or benign to our knowledge

Ambry Genetics
Classification: Uncertain significance for Inborn genetic diseases. Last evaluated: 2024-11-22. Review status: criteria provided, single submitter. Criteria: Ambry Variant Classification Scheme 2023. Collection method: clinical testing. Allele origin: germline.
Comment: The p.N107D variant (also known as c.319A>G), located in coding exon 2 of the ANKRD26 gene, results from an A to G substitution at nucleotide position 319. The asparagine at codon 107 is replaced by aspartic acid, an amino acid with highly similar properties. This amino acid position is conserved. In addition, this alteration is predicted to be tolerated by in silico analysis. Based on the available evidence, the clinical significance of this variant remains unclear.

Illumina Laboratory Services, Illumina
Classification: Uncertain significance for Thrombocytopenia 2. Last evaluated: 2018-01-12. Review status: criteria provided, single submitter. Criteria: ICSL Variant Classification Criteria 13 December 2019. Collection method: clinical testing. Allele origin: germline.